The following is an entry in ClinVar:

NM_000271.5(NPC1):c.1348dup (p.Ile450fs)

Gene: NPC1 (NPC intracellular cholesterol transporter 1; minus strand). Cytogenetic location: 18q11.2.
Variant type: Duplication.
Coding change: c.1348dup on transcript NM_000271.5 (MANE Select); coding-DNA position 1348, one base duplicated (A; older notation c.1348dupA).
Protein change: p.Ile450fs; shifts the reading frame from isoleucine 450.
Molecular consequence: frameshift variant.
Genome position (GRCh38, 1-based): chr18:23,554,963, T duplicated on the plus strand (A on the coding strand, the reverse complement: NPC1 is on the minus strand). VCF-style (leftmost placement, unchanged base first): chr18-23554962-A-AT. GRCh37 (hg19) VCF-style: chr18-21134926-A-AT.
Other names: short protein forms I450fs.
Identifiers: ClinVar variation 1724087 (VCV001724087.2), dbSNP rs2511277102, ClinGen allele CA2580095666.

ClinVar aggregate classification (germline): Likely pathogenic (1 of 4 stars; one submission).

Conditions:
Niemann-Pick disease, type C1. Also called: NEUROVISCERAL STORAGE DISEASE WITH VERTICAL SUPRANUCLEAR OPHTHALMOPLEGIA; NIEMANN-PICK DISEASE WITH CHOLESTEROL ESTERIFICATION BLOCK; NIEMANN-PICK DISEASE WITHOUT SPHINGOMYELINASE DEFICIENCY; NIEMANN-PICK DISEASE, CHRONIC NEURONOPATHIC FORM; NIEMANN-PICK DISEASE, VARIANT TYPE C1. Identifiers: Orphanet 646, MedGen C3179455, MONDO:0009757, OMIM 257220.

Submission:

Myriad Genetics, Inc.
Classification: Likely pathogenic for Niemann-Pick disease, type C1. Last evaluated: 2021-11-05. Review status: criteria provided, single submitter. Criteria: Myriad Women's Health Autosomal Recessive and X-Linked Classification Criteria (2021). Collection method: clinical testing. Allele origin: unknown.
Comment: NM_000271.4(NPC1):c.1348dupA(I450Nfs*9) is expected to be pathogenic in the context of Niemann-Pick disease type C1. This variant is predicted to lead to an abnormal or absent protein product due to the creation of a premature termination codon in NPC1, a gene where loss-of-function variants are known to be pathogenic. Please note: this variant was assessed in the context of healthy population screening.